The following is an entry in ClinVar:

NM_005159.5(ACTC1):c.22A>G (p.Thr8Ala)

Genes: ACTC1 (actin alpha cardiac muscle 1; minus strand), GJD2-DT (GJD2 divergent transcript; plus strand). Cytogenetic location: 15q14.
Variant type: single nucleotide variant.
Coding change: c.22A>G on transcript NM_005159.5 (MANE Select); coding-DNA position 22, A replaced by G.
Protein change: p.Thr8Ala; replaces threonine 8 with alanine.
Molecular consequence: missense variant.
Genome position (GRCh38, 1-based): chr15:34,794,787, T>C on the plus strand (A>G on the coding strand, the complement: ACTC1 is on the minus strand). VCF-style: chr15-34794787-T-C. GRCh37 (hg19) VCF-style: chr15-35086988-T-C.
Other names: p.T8A:ACC>GCC; c.22A>G (LRG_388t1); short protein forms T8A.
Identifiers: ClinVar variation 180755 (VCV000180755.12), dbSNP rs730880390, ClinGen allele CA019702.

ClinVar aggregate classification (germline): Uncertain significance. Review status: criteria provided, multiple submitters, no conflicts (2 of 4 stars). 3 submissions from 3 submitters: Uncertain significance (3). Last evaluated 2025-06-11.

Conditions:
Cardiovascular phenotype. Identifiers: MedGen CN230736.
Atrial septal defect 5 (ASD5). Identifiers: Orphanet 1478, MedGen C2748552, MONDO:0013011, OMIM 612794.
Dilated cardiomyopathy 1R (CMD1R). Identifiers: Orphanet 154, Orphanet 54260, MedGen C3150681, MONDO:0013261, OMIM 613424.
Hypertrophic cardiomyopathy 11. Also called: ACTC1-Related Familial Hypertrophic Cardiomyopathy. Identifiers: MedGen C2677506, MONDO:0012799, OMIM 612098.

Allele frequency attached by ClinVar (database versions not stated): TOPMed below 0.00001.

Submissions (3):

Labcorp Genetics (formerly Invitae), Labcorp
Classification: Uncertain significance for Dilated cardiomyopathy 1R; Hypertrophic cardiomyopathy 11; Atrial septal defect 5. Last evaluated: 2025-06-11. Review status: criteria provided, single submitter. Criteria: Invitae Variant Classification Sherloc (09022015). Collection method: clinical testing. Allele origin: germline.
Comment: This sequence change replaces threonine, which is neutral and polar, with alanine, which is neutral and non-polar, at codon 8 of the ACTC1 protein (p.Thr8Ala). This variant is not present in population databases (gnomAD no frequency). This missense change has been observed in individual(s) with clinical features of ACTC1-related conditions (PMID: 37652022). ClinVar contains an entry for this variant (Variation ID: 180755). An algorithm developed to predict the effect of missense changes on protein structure and function (PolyPhen-2) suggests that this variant is likely to be tolerated. In summary, the available evidence is currently insufficient to determine the role of this variant in disease. Therefore, it has been classified as a Variant of Uncertain Significance.

Ambry Genetics
Classification: Uncertain significance for Cardiovascular phenotype. Last evaluated: 2021-01-04. Review status: criteria provided, single submitter. Criteria: Ambry Variant Classification Scheme 2023. Collection method: clinical testing. Allele origin: germline.
Comment: The p.T8A variant (also known as c.22A>G), located in coding exon 1 of the ACTC1 gene, results from an A to G substitution at nucleotide position 22. The threonine at codon 8 is replaced by alanine, an amino acid with similar properties. This amino acid position is well conserved in available vertebrate species; however, alanine is the reference amino acid in other vertebrate species. In addition, this alteration is predicted to be deleterious by in silico analysis. Since supporting evidence is limited at this time, the clinical significance of this alteration remains unclear.

GeneDx
Classification: Uncertain significance. Last evaluated: 2017-06-08. Review status: criteria provided, single submitter. Criteria: GeneDx Variant Classification (06012015). Collection method: clinical testing. Allele origin: germline. Affected: yes.
Comment: The T8A variant of uncertain significance in the ACTC1 gene has not been published as pathogenic or benign to our knowledge. This variant is a non-conservative amino acid substitution, which is likely to impact secondary protein structure as these residues differ in polarity, charge, size and/or other properties. This substitution also occurs at a position that is conserved across species. In silico analysis predicts T8A is probably damaging to the protein structure/function. Moreover, T8A is not observed in large population cohorts (Lek et al., 2016; 1000 Genomes Consortium et al., 2015; Exome Variant Server). Therefore, additional evidence is needed to determine whether this variant is pathogenic or benign.

Literature cited by the submitters: PubMed 37652022 (cited by Labcorp Genetics (formerly Invitae), Labcorp).